The following is an entry in ClinVar:

NM_004104.5(FASN):c.176G>A (p.Arg59Lys)

Gene: FASN (fatty acid synthase; minus strand). Cytogenetic location: 17q25.3.
Variant type: single nucleotide variant.
Coding change: c.176G>A on transcript NM_004104.5 (MANE Select); coding-DNA position 176, G replaced by A.
Protein change: p.Arg59Lys; replaces arginine 59 with lysine.
Molecular consequence: missense variant.
Genome position (GRCh38, 1-based): chr17:82,095,424, C>T on the plus strand (G>A on the coding strand, the complement: FASN is on the minus strand). VCF-style: chr17-82095424-C-T. GRCh37 (hg19) VCF-style: chr17-80053300-C-T.
Other names: short protein forms R59K.
Identifiers: ClinVar variation 2016846 (VCV002016846.4), dbSNP rs1187301675, ClinGen allele CA401566441.

ClinVar aggregate classification (germline): Uncertain significance (1 of 4 stars; one submission).

Conditions:
Epileptic encephalopathy. Identifiers: MedGen C0543888, HP:0200134.

Submission:

Labcorp Genetics (formerly Invitae), Labcorp
Classification: Uncertain significance for Epileptic encephalopathy. Last evaluated: 2022-07-13. Review status: criteria provided, single submitter. Criteria: Invitae Variant Classification Sherloc (09022015). Collection method: clinical testing. Allele origin: germline.
Comment: In summary, the available evidence is currently insufficient to determine the role of this variant in disease. Therefore, it has been classified as a Variant of Uncertain Significance. Algorithms developed to predict the effect of missense changes on protein structure and function output the following: SIFT: "Tolerated"; PolyPhen-2: "Benign"; Align-GVGD: "Class C0". The lysine amino acid residue is found in multiple mammalian species, which suggests that this missense change does not adversely affect protein function. This variant has not been reported in the literature in individuals affected with FASN-related conditions. This variant is not present in population databases (gnomAD no frequency). This sequence change replaces arginine, which is basic and polar, with lysine, which is basic and polar, at codon 59 of the FASN protein (p.Arg59Lys).